The following is an entry in ClinVar:

NM_004565.3(PEX14):c.815C>T (p.Thr272Met)

Gene: PEX14 (peroxisomal biogenesis factor 14; plus strand). Cytogenetic location: 1p36.22.
Variant type: single nucleotide variant.
Coding change: c.815C>T on transcript NM_004565.3 (MANE Select); coding-DNA position 815, C replaced by T.
Protein change: p.Thr272Met; replaces threonine 272 with methionine.
Molecular consequence: missense variant.
Genome position (GRCh38, 1-based): chr1:10,629,668, C>T. VCF-style: chr1-10629668-C-T. GRCh37 (hg19) VCF-style: chr1-10689725-C-T.
Other names: c.815C>T (NM_004565.2); short protein forms T272M.
Identifiers: ClinVar variation 1932703 (VCV001932703.4), dbSNP rs746192184, ClinGen allele CA583970.
Genomic context (GRCh38, chr1:10,629,668, plus strand): 5'-GCCCTGCGGCCGTGAACCACCACAGCAGCAGCGACATCTCACCTGTCAGCAACGAGTCCA[C>T]GTCGTCCTCGCCTGGGAAGGAGGGCCACAGCCCCGAGGGCTCCACGGTCACCTACCACTT-3'
Protein context (NP_004556.1, residues 262-282): SDISPVSNES[Thr272Met]SSSPGKEGHS

ClinVar aggregate classification (germline): Uncertain significance. Review status: criteria provided, multiple submitters, no conflicts (2 of 4 stars). 3 submissions from 3 submitters: Uncertain significance (3). Last evaluated 2025-06-16.

Conditions:
Inborn genetic diseases. Identifiers: MedGen C0950123, MeSH D030342.
Peroxisome biogenesis disorder, complementation group K (CGK). Identifiers: MedGen C1866257, MONDO:0800365.

Allele frequency attached by ClinVar (database versions not stated): gnomAD exomes 0.00001; TOPMed 0.00002; ExAC 0.00003.
gnomAD v4.1: 12 of 1,613,872 alleles (0.00074%); highest among the groups gnomAD compares: Admixed American, 0.0033%; no homozygotes.

Submissions (3):

Ambry Genetics
Classification: Uncertain significance for Inborn genetic diseases. Last evaluated: 2025-06-16. Review status: criteria provided, single submitter. Criteria: Ambry Variant Classification Scheme 2023. Collection method: clinical testing. Allele origin: germline.

Blueprint Genetics
Classification: Uncertain significance. Last evaluated: 2023-06-09. Review status: criteria provided, single submitter. Criteria: ACMG Guidelines, 2015. Collection method: clinical testing. Allele origin: germline.

Labcorp Genetics (formerly Invitae), Labcorp
Classification: Uncertain significance for Peroxisome biogenesis disorder, complementation group K. Last evaluated: 2022-04-08. Review status: criteria provided, single submitter. Criteria: Invitae Variant Classification Sherloc (09022015). Collection method: clinical testing. Allele origin: germline.
Comment: This sequence change replaces threonine, which is neutral and polar, with methionine, which is neutral and non-polar, at codon 272 of the PEX14 protein (p.Thr272Met). This variant is present in population databases (rs746192184, gnomAD 0.004%). This variant has not been reported in the literature in individuals affected with PEX14-related conditions. Algorithms developed to predict the effect of missense changes on protein structure and function are either unavailable or do not agree on the potential impact of this missense change (SIFT: "Tolerated"; PolyPhen-2: "Possibly Damaging"; Align-GVGD: "Class C0"). In summary, the available evidence is currently insufficient to determine the role of this variant in disease. Therefore, it has been classified as a Variant of Uncertain Significance.